The following is an entry in ClinVar:

ClinVar aggregate classification (germline): Uncertain significance (1 of 4 stars; one submission).

Allele frequency attached by ClinVar (database versions not stated): TOPMed below 0.00001.

Submission:

Labcorp Genetics (formerly Invitae), Labcorp
Classification: Uncertain significance. Last evaluated: 2022-04-19. Review status: criteria provided, single submitter. Criteria: Invitae Variant Classification Sherloc (09022015). Collection method: clinical testing. Allele origin: germline.
Comment: In summary, the available evidence is currently insufficient to determine the role of this variant in disease. Therefore, it has been classified as a Variant of Uncertain Significance. Algorithms developed to predict the effect of missense changes on protein structure and function output the following: SIFT: "Deleterious"; PolyPhen-2: "Benign"; Align-GVGD: "Class C65". The serine amino acid residue is found in multiple mammalian species, which suggests that this missense change does not adversely affect protein function. This variant has not been reported in the literature in individuals affected with COL4A6-related conditions. This variant is not present in population databases (gnomAD no frequency). This sequence change replaces proline, which is neutral and non-polar, with serine, which is neutral and polar, at codon 1278 of the COL4A6 protein (p.Pro1278Ser).

NM_033641.4(COL4A6):c.3829C>T (p.Pro1277Ser)

Gene: COL4A6 (collagen type IV alpha 6 chain; minus strand). Cytogenetic location: Xq22.3.
Variant type: single nucleotide variant.
Coding change: c.3829C>T on transcript NM_033641.4 (MANE Select); coding-DNA position 3829, C replaced by T.
Protein change: p.Pro1277Ser; replaces proline 1277 with serine.
Molecular consequence: missense variant.
Genome position (GRCh38, 1-based): chrX:108,165,018, G>A on the plus strand (C>T on the coding strand, the complement: COL4A6 is on the minus strand). VCF-style: chrX-108165018-G-A. GRCh37 (hg19) VCF-style: chrX-107408248-G-A.
Other names: c.3880C>T, p.Pro1294Ser (NM_001287758.2); c.3757C>T, p.Pro1253Ser (NM_001287759.2, NM_001287760.2); c.3832C>T, p.Pro1278Ser (NM_001847.4); short protein forms P1253S, P1278S, P1277S, P1294S.
Identifiers: ClinVar variation 2156685 (VCV002156685.4), dbSNP rs2034083134, ClinGen allele CA413853890.